The following is an entry in ClinVar:

Conditions:
Long QT syndrome 5 (LQT5). Identifiers: Orphanet 101016, Orphanet 768, MedGen C1867904, MONDO:0013372, OMIM 613695.

Submission:

Roden Lab, Vanderbilt University Medical Center
No classification provided (evidence only). Condition: Long QT syndrome 5. Review status: no classification provided. Collection method: in vitro. Allele origin: not applicable. Functional consequence: Effect on ion channel function.
ClinVar note: "not provided" was previously submitted as the classification for the variant. However, the classification appeared to be based only on an observation of functional data so it was converted to no classification on 2025-07-30.

NM_000219.6(KCNE1):c.253G>C (p.Asp85His)

Gene: KCNE1 (potassium voltage-gated channel subfamily E regulatory subunit 1; minus strand). Cytogenetic location: 21q22.12.
Variant type: single nucleotide variant.
Coding change: c.253G>C on transcript NM_000219.6 (MANE Select); coding-DNA position 253, G replaced by C.
Protein change: p.Asp85His; replaces aspartic acid 85 with histidine.
Molecular consequence: missense variant.
Genome position (GRCh38, 1-based): chr21:34,449,382, C>G on the plus strand (G>C on the coding strand, the complement: KCNE1 is on the minus strand). VCF-style: chr21-34449382-C-G. GRCh37 (hg19) VCF-style: chr21-35821680-C-G.
Other names: c.253G>C, p.Asp85His (NM_001127668.4, NM_001127669.4, NM_001127670.4 and 4 more transcripts); short protein forms D85H.
Identifiers: ClinVar variation 3374446 (VCV003374446.2).